The following is an entry in ClinVar:

ClinVar aggregate classification (germline): Uncertain significance (1 of 4 stars; one submission).

Submission:

Labcorp Genetics (formerly Invitae), Labcorp
Classification: Uncertain significance. Last evaluated: 2025-02-17. Review status: criteria provided, single submitter. Criteria: Invitae Variant Classification Sherloc (09022015). Collection method: clinical testing. Allele origin: germline.
Comment: This sequence change replaces tyrosine, which is neutral and polar, with aspartic acid, which is acidic and polar, at codon 123 of the TFRC protein (p.Tyr123Asp). This variant is not present in population databases (gnomAD no frequency). This variant has not been reported in the literature in individuals affected with TFRC-related conditions. Invitae Evidence Modeling of protein sequence and biophysical properties (such as structural, functional, and spatial information, amino acid conservation, physicochemical variation, residue mobility, and thermodynamic stability) indicates that this missense variant is not expected to disrupt TFRC protein function with a negative predictive value of 80%. In summary, the available evidence is currently insufficient to determine the role of this variant in disease. Therefore, it has been classified as a Variant of Uncertain Significance.

NM_001128148.3(TFRC):c.367T>G (p.Tyr123Asp)

Gene: TFRC (transferrin receptor; minus strand). Cytogenetic location: 3q29.
Variant type: single nucleotide variant.
Coding change: c.367T>G on transcript NM_001128148.3 (MANE Select); coding-DNA position 367, T replaced by G.
Protein change: p.Tyr123Asp; replaces tyrosine 123 with aspartic acid.
Molecular consequence: missense variant. On other transcripts: intron variant (1).
Genome position (GRCh38, 1-based): chr3:196,073,997, A>C on the plus strand (T>G on the coding strand, the complement: TFRC is on the minus strand). VCF-style: chr3-196073997-A-C. GRCh37 (hg19) VCF-style: chr3-195800868-A-C.
Other names: c.124T>G, p.Tyr42Asp (NM_001313965.2); c.367T>G, p.Tyr123Asp (NM_003234.4); c.-412-1845T>G (NM_001313966.2); short protein forms Y42D, Y123D.
Identifiers: ClinVar variation 4705863 (VCV004705863.1).